The following is an entry in ClinVar:

ClinVar aggregate classification (germline): Likely benign (1 of 4 stars; one submission).

gnomAD v4.1: 34 of 1,614,060 alleles (0.0021%); highest among the groups gnomAD compares: Admixed American, 0.0033%; no homozygotes.

Submission:

CeGaT Center for Human Genetics Tuebingen
Classification: Likely benign. Last evaluated: 2025-01-01. Review status: criteria provided, single submitter. Criteria: CeGaT Center For Human Genetics Tuebingen Variant Classification Criteria Version 2. Collection method: clinical testing. Allele origin: germline. Affected: yes. Observed: 1 variant allele.
Comment: DNAH2: BP4, BP7

NM_020877.5(DNAH2):c.10146C>T (p.Gly3382=)

Gene: DNAH2 (dynein axonemal heavy chain 2; plus strand). Cytogenetic location: 17p13.1.
Variant type: single nucleotide variant.
Coding change: c.10146C>T on transcript NM_020877.5 (MANE Select); coding-DNA position 10146, C replaced by T.
Protein change: p.Gly3382=; no amino-acid change (glycine 3382 retained).
Molecular consequence: synonymous variant.
Genome position (GRCh38, 1-based): chr17:7,817,686, C>T. VCF-style: chr17-7817686-C-T. GRCh37 (hg19) VCF-style: chr17-7721004-C-T.
Identifiers: ClinVar variation 3771573 (VCV003771573.13).